The following is an entry in ClinVar:

ClinVar aggregate classification (germline): Uncertain significance (1 of 4 stars; one submission).

Conditions:
Lymphoproliferative syndrome 2 (LPFS2). Also called: CD27 DEFICIENCY; Combined immunodeficiency due to CD27 deficiency. Identifiers: Orphanet 238505, MedGen C3554540, MONDO:0014054, OMIM 615122.

Allele frequency attached by ClinVar (database versions not stated): TOPMed below 0.00001.
gnomAD v4.1: 7 of 1,613,798 alleles (0.00043%); highest among the groups gnomAD compares: Non-Finnish European, 0.00059%; no homozygotes.

Submission:

Labcorp Genetics (formerly Invitae), Labcorp
Classification: Uncertain significance for Lymphoproliferative syndrome 2. Last evaluated: 2023-05-20. Review status: criteria provided, single submitter. Criteria: Invitae Variant Classification Sherloc (09022015). Collection method: clinical testing. Allele origin: germline.
Comment: This sequence change replaces glutamic acid, which is acidic and polar, with glutamine, which is neutral and polar, at codon 119 of the CD27 protein (p.Glu119Gln). This variant is not present in population databases (gnomAD no frequency). This variant has not been reported in the literature in individuals affected with CD27-related conditions. Advanced modeling of protein sequence and biophysical properties (such as structural, functional, and spatial information, amino acid conservation, physicochemical variation, residue mobility, and thermodynamic stability) has been performed at Invitae for this missense variant, however the output from this modeling did not meet the statistical confidence thresholds required to predict the impact of this variant on CD27 protein function. In summary, the available evidence is currently insufficient to determine the role of this variant in disease. Therefore, it has been classified as a Variant of Uncertain Significance.

NM_001242.5(CD27):c.355G>C (p.Glu119Gln)

Genes: CD27 (CD27 molecule; plus strand), CD27-AS1 (CD27 antisense RNA 1; minus strand). Cytogenetic location: 12p13.31.
Variant type: single nucleotide variant.
Coding change: c.355G>C on transcript NM_001242.5 (MANE Select); coding-DNA position 355, G replaced by C.
Protein change: p.Glu119Gln; replaces glutamic acid 119 with glutamine.
Molecular consequence: missense variant. On other transcripts: 5 prime UTR variant (3), non-coding transcript variant (4), intron variant (1).
Genome position (GRCh38, 1-based): chr12:6,450,259, G>C. VCF-style: chr12-6450259-G-C. GRCh37 (hg19) VCF-style: chr12-6559425-G-C.
Other names: c.448G>C, p.Glu150Gln (NM_001413263.1); c.328G>C, p.Glu110Gln (NM_001413264.1); c.-96G>C (NM_001413266.1, NM_001413267.1, NM_001413268.1); c.269-282G>C (NM_001413265.1); short protein forms E110Q, E119Q, E150Q.
Identifiers: ClinVar variation 2731120 (VCV002731120.3), dbSNP rs1312232245, ClinGen allele CA383549777.